The following is an entry in ClinVar:

NM_001042492.3(NF1):c.6730C>G (p.Leu2244Val)

Gene: NF1 (neurofibromin 1; plus strand). Cytogenetic location: 17q11.2.
Variant type: single nucleotide variant.
Coding change: c.6730C>G on transcript NM_001042492.3 (MANE Select); coding-DNA position 6730, C replaced by G.
Protein change: p.Leu2244Val; replaces leucine 2244 with valine.
Molecular consequence: missense variant.
Genome position (GRCh38, 1-based): chr17:31,338,050, C>G. VCF-style: chr17-31338050-C-G. GRCh37 (hg19) VCF-style: chr17-29665068-C-G.
Other names: c.6667C>G, p.Leu2223Val (NM_000267.4); short protein forms L2244V, L2223V.
Identifiers: ClinVar variation 1992969 (VCV001992969.4), dbSNP rs1210367831, ClinGen allele CA399014034.
Genomic context (GRCh38, chr17:31,338,050, plus strand): 5'-GGTTTTTATAAGTTCTGTGGATCTTTTAATTGCAGATTTGCATTCCAATATAATCCATCC[C>G]TGCAACCAAGAGCTCTTGTTGTCTTTGGGTGTATTAGCAAACGAGTGTCTCATGGGCAGA-3'
Protein context (NP_001035957.1, residues 2234-2254): QRFAFQYNPS[Leu2244Val]QPRALVVFGC

ClinVar aggregate classification (germline): Uncertain significance (1 of 4 stars; one submission).

Conditions:
Neurofibromatosis, type 1 (NF1). Also called: VON RECKLINGHAUSEN DISEASE; Peripheral type neurofibromatosis; Neurofibromatosis, type I; NEUROFIBROMATOSIS, TYPE I, SOMATIC. Identifiers: Orphanet 636, MedGen C0027831, MONDO:0018975, OMIM 162200. Disease mechanism: loss of function.

Allele frequency attached by ClinVar (database versions not stated): gnomAD exomes below 0.00001.
gnomAD v4.1: 1 of 1,613,828 alleles (0.000062%); highest among the groups gnomAD compares: Admixed American, 0.0017%; no homozygotes.

Submission:

Labcorp Genetics (formerly Invitae), Labcorp
Classification: Uncertain significance for Neurofibromatosis, type 1. Last evaluated: 2022-05-11. Review status: criteria provided, single submitter. Criteria: Invitae Variant Classification Sherloc (09022015). Collection method: clinical testing. Allele origin: germline.
Comment: This sequence change replaces leucine, which is neutral and non-polar, with valine, which is neutral and non-polar, at codon 2223 of the NF1 protein (p.Leu2223Val). This variant is present in population databases (no rsID available, gnomAD 0.003%). In summary, the available evidence is currently insufficient to determine the role of this variant in disease. Therefore, it has been classified as a Variant of Uncertain Significance. Algorithms developed to predict the effect of missense changes on protein structure and function are either unavailable or do not agree on the potential impact of this missense change (SIFT: "Tolerated"; PolyPhen-2: "Probably Damaging"; Align-GVGD: "Class C0"). This variant has not been reported in the literature in individuals affected with NF1-related conditions.